The following is an entry in ClinVar:

NM_000465.4(BARD1):c.1695T>C (p.Arg565=)

Gene: BARD1 (BRCA1 associated RING domain 1; minus strand). Cytogenetic location: 2q35.
Variant type: single nucleotide variant.
Coding change: c.1695T>C on transcript NM_000465.4 (MANE Select); coding-DNA position 1695, T replaced by C.
Protein change: p.Arg565=; no amino-acid change (arginine 565 retained).
Molecular consequence: synonymous variant. On other transcripts: non-coding transcript variant (3), intron variant (1).
Genome position (GRCh38, 1-based): chr2:214,745,837, A>G on the plus strand (T>C on the coding strand, the complement: BARD1 is on the minus strand). VCF-style: chr2-214745837-A-G. GRCh37 (hg19) VCF-style: chr2-215610561-A-G.
Other names: c.1638T>C, p.Arg546= (NM_001282543.2); c.342T>C, p.Arg114= (NM_001282545.2); c.285T>C, p.Arg95= (NM_001282548.2); c.365-15329T>C (NM_001282549.2).
Identifiers: ClinVar variation 414108 (VCV000414108.25), dbSNP rs569636814, ClinGen allele CA2090183.
Genomic context (GRCh38, chr2:214,745,837, plus strand): 5'-GAGCATTTTCTGTTGTTCTGAAGACAGCCCACTGCCTATAAGTACAAGAGGTCCATCCCT[A>G]CGCTGCCCAGTGTTCATCTGTTAATATAAAAGGAGATACCAGTGTTAAAAACATTAGACG-3'
Protein context (NP_000456.2, residues 555-575): SHCSVMNTGQ[Arg565=]RDGPLVLIGS

ClinVar aggregate classification (germline): Benign/Likely benign. Review status: criteria provided, multiple submitters, no conflicts (2 of 4 stars). 7 submissions from 7 submitters: Benign (2); Likely benign (5). Last evaluated 2025-12-10.

Conditions:
Familial cancer of breast. Also called: Hereditary breast cancer; hereditary breast carcinoma; BREAST CANCER, FAMILIAL. Identifiers: Orphanet 227535, MedGen C0346153, MONDO:0016419, OMIM 114480. Disease mechanism: loss of function.
Hereditary cancer-predisposing syndrome. Also called: Neoplastic Syndromes, Hereditary; Tumor predisposition; Hereditary Cancer Syndrome; Hereditary neoplastic syndrome. Identifiers: Orphanet 140162, MedGen C0027672, MeSH D009386, MONDO:0015356.

Allele frequency attached by ClinVar (database versions not stated): gnomAD 0.00001; gnomAD exomes 0.00002 and 0.00004; ExAC 0.00004; TOPMed 0.00005; 1000 Genomes Project 30x 0.00016; 1000 Genomes Project 0.00020.
gnomAD v4.1: 31 of 1,614,054 alleles (0.0019%); highest among the groups gnomAD compares: South Asian, 0.029%; no homozygotes.

Submissions (7):

Labcorp Genetics (formerly Invitae), Labcorp
Classification: Likely benign for Familial cancer of breast. Last evaluated: 2025-12-10. Review status: criteria provided, single submitter. Criteria: Invitae Variant Classification Sherloc (09022015). Collection method: clinical testing. Allele origin: germline.

Myriad Genetics, Inc.
Classification: Benign for Familial cancer of breast. Last evaluated: 2024-07-26. Review status: criteria provided, single submitter. Criteria: Myriad Autosomal Dominant, Autosomal Recessive and X-Linked Classification Criteria (2023). Collection method: clinical testing. Allele origin: unknown.
Comment: This variant is considered benign. This variant is a silent/synonymous amino acid change and it is not expected to impact splicing.

KCCC/NGS Laboratory, Kuwait Cancer Control Center
Classification: Likely benign for Familial cancer of breast. Last evaluated: 2023-07-07. Review status: criteria provided, single submitter. Criteria: ACMG Guidelines, 2015. Collection method: clinical testing. Allele origin: germline. Affected: yes.

Quest Diagnostics Nichols Institute San Juan Capistrano
Classification: Benign. Last evaluated: 2021-04-02. Review status: criteria provided, single submitter. Criteria: Quest Diagnostics criteria. Collection method: clinical testing. Allele origin: unknown.

GeneDx
Classification: Likely benign. Last evaluated: 2019-04-03. Review status: criteria provided, single submitter. Criteria: GeneDx Variant Classification Process June 2021. Collection method: clinical testing. Allele origin: germline. Affected: yes.

Color Diagnostics, LLC DBA Color Health
Classification: Likely benign for Hereditary cancer-predisposing syndrome. Last evaluated: 2017-11-14. Review status: criteria provided, single submitter. Criteria: ACMG Guidelines, 2015. Collection method: clinical testing. Allele origin: germline.

Ambry Genetics
Classification: Likely benign for Hereditary cancer-predisposing syndrome. Last evaluated: 2017-05-10. Review status: criteria provided, single submitter. Criteria: Ambry Variant Classification Scheme 2023. Collection method: clinical testing. Allele origin: germline.